The following is an entry in ClinVar:

NM_205834.4(LSR):c.110-3C>T

Gene: LSR (lipolysis stimulated lipoprotein receptor; plus strand). Cytogenetic location: 19q13.12.
Variant type: single nucleotide variant.
Coding change: c.110-3C>T on transcript NM_205834.4 (MANE Select); 3 bases into the intron before coding-DNA position 110, C replaced by T.
Molecular consequence: intron variant.
Genome position (GRCh38, 1-based): chr19:35,250,312, C>T. VCF-style: chr19-35250312-C-T. GRCh37 (hg19) VCF-style: chr19-35741215-C-T.
Other names: c.110-3C>T (NM_015925.7, NM_001260489.2, NM_205835.4 and 2 more transcripts).
Identifiers: ClinVar variation 3606932 (VCV003606932.2).

ClinVar aggregate classification (germline): Uncertain significance (1 of 4 stars; one submission).

Submission:

Labcorp Genetics (formerly Invitae), Labcorp
Classification: Uncertain significance. Last evaluated: 2024-09-03. Review status: criteria provided, single submitter. Criteria: Invitae Variant Classification Sherloc (09022015). Collection method: clinical testing. Allele origin: germline.
Comment: This sequence change falls in intron 1 of the LSR gene. It does not directly change the encoded amino acid sequence of the LSR protein. It affects a nucleotide within the consensus splice site. This variant is not present in population databases (gnomAD no frequency). This variant has not been reported in the literature in individuals affected with LSR-related conditions. Variants that disrupt the consensus splice site are a relatively common cause of aberrant splicing (PMID: 17576681, 9536098). Algorithms developed to predict the effect of sequence changes on RNA splicing suggest that this variant is not likely to affect RNA splicing. In summary, the available evidence is currently insufficient to determine the role of this variant in disease. Therefore, it has been classified as a Variant of Uncertain Significance.

Literature cited by the submitters: PubMed 17576681; PubMed 9536098.